The following is an entry in ClinVar:

NM_001005242.3(PKP2):c.1379-2033G>A

Gene: PKP2 (plakophilin 2; minus strand). Cytogenetic location: 12p11.21.
Variant type: single nucleotide variant.
Coding change: c.1379-2033G>A on transcript NM_001005242.3 (MANE Select); 2033 bases into the intron before coding-DNA position 1379, G replaced by A.
Molecular consequence: intron variant. On other transcripts: missense variant (1).
Genome position (GRCh38, 1-based): chr12:32,843,238, C>T on the plus strand (G>A on the coding strand, the complement: PKP2 is on the minus strand). VCF-style: chr12-32843238-C-T. GRCh37 (hg19) VCF-style: chr12-32996172-C-T.
Other names: c.1454G>A, p.Gly485Glu (NM_004572.4); short protein forms G485E.
Identifiers: ClinVar variation 406543 (VCV000406543.12), dbSNP rs757689437, ClinGen allele CA16614006.

ClinVar aggregate classification (germline): Conflicting classifications of pathogenicity. Review status: criteria provided, conflicting classifications (1 of 4 stars). 4 submissions from 4 submitters: Uncertain significance (3); Likely benign (1). Last evaluated 2026-06-10.

Conditions:
Cardiovascular phenotype. Identifiers: MedGen CN230736.
Arrhythmogenic right ventricular cardiomyopathy (ARVD). Also called: Cardiomyopathy, ARVC; Arrhythmogenic right ventricular dysplasia; Arrhythmogenic cardiomyopathy; Arrhythmogenic Right Ventricular Cardiomyopathy (ARVC). Identifiers: Orphanet 247, MedGen C0349788, MeSH D019571, MONDO:0016587. Disease mechanism: loss of function. Inheritance: Various modes of inheritance.
Cardiomyopathy (CMYO). Also called: Cardiomyopathies. Identifiers: Orphanet 167848, MedGen C0878544, MONDO:0004994, HP:0001638. Inheritance: Various modes of inheritance.
Arrhythmogenic right ventricular dysplasia 9 (ARVD9). Also called: Arrhythmogenic Right Ventricular Dysplasia/Cardiomyopathy 9; ARRHYTHMOGENIC RIGHT VENTRICULAR DYSPLASIA, FAMILIAL, 9. Identifiers: MedGen C1836906, MONDO:0012180, OMIM 609040.

Allele frequency attached by ClinVar (database versions not stated): TOPMed below 0.00001; gnomAD 0.00001.
gnomAD v4.1: 2 of 931,448 alleles (0.00021%); highest among the groups gnomAD compares: Non-Finnish European, 0.00032%; no homozygotes.

Submissions (4):

Ambry Genetics
Classification: Likely benign for Cardiovascular phenotype. Last evaluated: 2026-06-10. Review status: criteria provided, single submitter. Criteria: Ambry Variant Classification Scheme 2023. Collection method: clinical testing. Allele origin: germline.

Labcorp Genetics (formerly Invitae), Labcorp
Classification: Uncertain significance for Arrhythmogenic right ventricular dysplasia 9. Last evaluated: 2025-07-27. Review status: criteria provided, single submitter. Criteria: Invitae Variant Classification Sherloc (09022015). Collection method: clinical testing. Allele origin: germline.
Comment: This sequence change replaces glycine, which is neutral and non-polar, with glutamic acid, which is acidic and polar, at codon 485 of the PKP2 protein (p.Gly485Glu). This variant is present in population databases (no rsID available, gnomAD 0.002%). This missense change has been observed in individual(s) with Brugada syndrome (PMID: 25650408). ClinVar contains an entry for this variant (Variation ID: 406543). An algorithm developed to predict the effect of missense changes on protein structure and function (PolyPhen-2) suggests that this variant is likely to be tolerated. In summary, the available evidence is currently insufficient to determine the role of this variant in disease. Therefore, it has been classified as a Variant of Uncertain Significance.

All of Us Research Program, National Institutes of Health
Classification: Uncertain significance for Arrhythmogenic right ventricular cardiomyopathy. Last evaluated: 2023-12-13. Review status: criteria provided, single submitter. Criteria: ACMG Guidelines, 2015. Collection method: clinical testing. Allele origin: germline. Inheritance: Autosomal dominant inheritance. Observed: 1 variant allele, 1 heterozygote.
Comment: This missense variant replaces glycine with glutamic acid at codon 485 of the PKP2 protein. Computational prediction suggests that this variant may not impact protein structure and function (internally defined REVEL score threshold <= 0.5, PMID: 27666373). To our knowledge, functional studies have not been reported for this variant. This variant has been reported in an individual suspected of having hypertrophic cardiomyopathy (PMID: 30847666). This variant has been identified in 2/269836 chromosomes in the general population by the Genome Aggregation Database (gnomAD). The available evidence is insufficient to determine the role of this variant in disease conclusively. Therefore, this variant is classified as a Variant of Uncertain Significance.

This study involves interpretation of variants in research participants for the purpose of population health screening. Participant phenotype was not available at the time of variant classification. Additional details can be found in publication PMID: 35346344, PMCID: PMC8962531

Color Diagnostics, LLC DBA Color Health
Classification: Uncertain significance for Cardiomyopathy. Last evaluated: 2023-08-02. Review status: criteria provided, single submitter. Criteria: ACMG Guidelines, 2015. Collection method: clinical testing. Allele origin: germline.
Comment: This missense variant replaces glycine with glutamic acid at codon 485 of the PKP2 protein. Computational prediction suggests that this variant may not impact protein structure and function (internally defined REVEL score threshold <= 0.5, PMID: 27666373). To our knowledge, functional studies have not been reported for this variant. This variant has been reported in an individual suspected of having hypertrophic cardiomyopathy (PMID: 30847666). This variant has been identified in 2/269836 chromosomes in the general population by the Genome Aggregation Database (gnomAD). The available evidence is insufficient to determine the role of this variant in disease conclusively. Therefore, this variant is classified as a Variant of Uncertain Significance.

Literature cited by the submitters: PubMed 30847666 (cited by 3 submitters); PubMed 34120153 (cited by Ambry Genetics); PubMed 25650408 (cited by Labcorp Genetics (formerly Invitae), Labcorp).